The following is an entry in ClinVar:

ClinVar aggregate classification (germline): Uncertain significance (1 of 4 stars; one submission).

Submission:

Women's Health and Genetics/Laboratory Corporation of America, LabCorp
Classification: Uncertain significance. Last evaluated: 2025-07-14. Review status: criteria provided, single submitter. Criteria: LabCorp Variant Classification Summary - May 2015. Collection method: clinical testing. Allele origin: germline.
Comment: Variant summary: TET3 c.4805T>C (p.Leu1602Pro) results in a non-conservative amino acid change in the encoded protein sequence. Algorithms developed to predict the effect of missense changes on protein structure and function are either unavailable or do not agree on the potential impact of this missense change. The variant was absent in 238070 control chromosomes. The available data on variant occurrences in the general population are insufficient to allow any conclusion about variant significance. To our knowledge, no occurrence of c.4805T>C in individuals affected with Beck-Fahrner Syndrome and no experimental evidence demonstrating its impact on protein function have been reported. No submitters have cited clinical-significance assessments for this variant to ClinVar. Based on the evidence outlined above, the variant was classified as uncertain significance.

NM_001287491.2(TET3):c.4805T>C (p.Leu1602Pro)

Gene: TET3 (tet methylcytosine dioxygenase 3; plus strand). Cytogenetic location: 2p13.1.
Variant type: single nucleotide variant.
Coding change: c.4805T>C on transcript NM_001287491.2 (MANE Select); coding-DNA position 4805, T replaced by C.
Protein change: p.Leu1602Pro; replaces leucine 1602 with proline.
Molecular consequence: missense variant.
Genome position (GRCh38, 1-based): chr2:74,101,593, T>C. VCF-style: chr2-74101593-T-C. GRCh37 (hg19) VCF-style: chr2-74328720-T-C.
Other names: c.4526T>C, p.Leu1509Pro (NM_001366022.1); short protein forms L1602P, L1509P.
Identifiers: ClinVar variation 4525946 (VCV004525946.1).
Genomic context (GRCh38, chr2:74,101,593, plus strand): 5'-TTGGTCTGCCCCTGGGATCCAGCGAGAAGCTGTTTGGGGCTCTGAAGTCAGAGGAGAAGC[T>C]GTGGGACCCCTTCAGCCTGGAGGAGGGGCCGGCTGAGGAGCCCCCCAGCAAGGGAGCGGT-3'
Protein context (NP_001274420.1, residues 1592-1612): LFGALKSEEK[Leu1602Pro]WDPFSLEEGP